The following is an entry in ClinVar:

NM_000443.4(ABCB4):c.2394+13G>A

Gene: ABCB4 (ATP binding cassette subfamily B member 4; minus strand). Cytogenetic location: 7q21.12.
Variant type: single nucleotide variant.
Coding change: c.2394+13G>A on transcript NM_000443.4 (MANE Select); 13 bases into the intron after coding-DNA position 2394, G replaced by A.
Molecular consequence: intron variant.
Genome position (GRCh38, 1-based): chr7:87,419,985, C>T on the plus strand (G>A on the coding strand, the complement: ABCB4 is on the minus strand). VCF-style: chr7-87419985-C-T. GRCh37 (hg19) VCF-style: chr7-87049301-C-T.
Other names: c.2394+13G>A (NM_018850.3, NM_018849.3).
Identifiers: ClinVar variation 390069 (VCV000390069.4), dbSNP rs370406753, ClinGen allele CA4327037.
Genomic context (GRCh38, chr7:87,419,985, plus strand): 5'-ATAAGAACAGTAAGAAGCTTAATATGGAAGAAATGTGAAAGATCAGAAGGCATTCTCCAG[C>T]GCACACTCCTACCTGTCTTAGCATTGCTTTAAAAGCCATTGACCGCAGTCTTCTGGTGAG-3'

ClinVar aggregate classification (germline): Likely benign. Review status: criteria provided, multiple submitters, no conflicts (2 of 4 stars). 2 submissions from 2 submitters: Likely benign (2). Last evaluated 2026-01-20.

Allele frequency attached by ClinVar (database versions not stated): ExAC 0.00016; gnomAD exomes 0.00016; TOPMed 0.00049; gnomAD 0.00050 and 0.00058; ESP Exome Variant Server 0.00062.
gnomAD v4.1: 147 of 1,612,612 alleles (0.0091%); highest among the groups gnomAD compares: African/African-American, 0.14%; no homozygotes.

Submissions (2):

Labcorp Genetics (formerly Invitae), Labcorp
Classification: Likely benign. Last evaluated: 2026-01-20. Review status: criteria provided, single submitter. Criteria: Invitae Variant Classification Sherloc (09022015). Collection method: clinical testing. Allele origin: germline.

GeneDx
Classification: Likely benign. Last evaluated: 2016-10-18. Review status: criteria provided, single submitter. Criteria: GeneDx Variant Classification (06012015). Collection method: clinical testing. Allele origin: germline. Affected: yes.
Comment: This variant is considered likely benign or benign based on one or more of the following criteria: it is a conservative change, it occurs at a poorly conserved position in the protein, it is predicted to be benign by multiple in silico algorithms, and/or has population frequency not consistent with disease.